The following is an entry in ClinVar:

ClinVar aggregate classification (germline): Uncertain significance (1 of 4 stars; one submission).

Conditions:
Bethlem myopathy 1A. Also called: Bethlem myopathy 1; MYOPATHY, BENIGN CONGENITAL, WITH CONTRACTURES; Bethlem Muscular Dystrophy. Identifiers: Orphanet 610, MedGen CN029274, MONDO:0024530, OMIM 158810.

Submission:

Labcorp Genetics (formerly Invitae), Labcorp
Classification: Uncertain significance for Bethlem myopathy 1A. Last evaluated: 2023-11-06. Review status: criteria provided, single submitter. Criteria: Invitae Variant Classification Sherloc (09022015). Collection method: clinical testing. Allele origin: germline.
Comment: This sequence change replaces histidine, which is basic and polar, with tyrosine, which is neutral and polar, at codon 1993 of the COL6A3 protein (p.His1993Tyr). This variant is not present in population databases (gnomAD no frequency). This variant has not been reported in the literature in individuals affected with COL6A3-related conditions. ClinVar contains an entry for this variant (Variation ID: 580408). Advanced modeling of protein sequence and biophysical properties (such as structural, functional, and spatial information, amino acid conservation, physicochemical variation, residue mobility, and thermodynamic stability) performed at Invitae indicates that this missense variant is not expected to disrupt COL6A3 protein function with a negative predictive value of 80%. In summary, the available evidence is currently insufficient to determine the role of this variant in disease. Therefore, it has been classified as a Variant of Uncertain Significance.

NM_004369.4(COL6A3):c.5977C>T (p.His1993Tyr)

Gene: COL6A3 (collagen type VI alpha 3 chain; minus strand). Cytogenetic location: 2q37.3.
Variant type: single nucleotide variant.
Coding change: c.5977C>T on transcript NM_004369.4 (MANE Select); coding-DNA position 5977, C replaced by T.
Protein change: p.His1993Tyr; replaces histidine 1993 with tyrosine.
Molecular consequence: missense variant.
Genome position (GRCh38, 1-based): chr2:237,363,339, G>A on the plus strand (C>T on the coding strand, the complement: COL6A3 is on the minus strand). VCF-style: chr2-237363339-G-A. GRCh37 (hg19) VCF-style: chr2-238271982-G-A.
Other names: c.4156C>T, p.His1386Tyr (NM_057166.5); c.5359C>T, p.His1787Tyr (NM_057167.4); short protein forms H1993Y, H1386Y, H1787Y.
Identifiers: ClinVar variation 580408 (VCV000580408.10), dbSNP rs1559231403, ClinGen allele CA351219053.